The following is an entry in ClinVar:

NM_000557.5(GDF5):c.157del (p.Leu53fs)

Gene: GDF5 (growth differentiation factor 5; minus strand). Cytogenetic location: 20q11.22.
Variant type: Deletion.
Coding change: c.157del on transcript NM_000557.5 (MANE Select); coding-DNA position 157, one base deleted (C; older notation c.157delC).
Protein change: p.Leu53fs; shifts the reading frame from leucine 53.
Molecular consequence: frameshift variant.
Genome position (GRCh38, 1-based): chr20:35,437,772, G deleted on the plus strand (C on the coding strand, the reverse complement: GDF5 is on the minus strand); the first of 7 consecutive G bases (chr20:35,437,772-35,437,778); deleting any one gives the same sequence. VCF-style (leftmost placement, unchanged base first): chr20-35437771-AG-A. GRCh37 (hg19) VCF-style: chr20-34025551-AG-A.
Other names: c.157del, p.Leu53fs (NM_001319138.2); c.157del (NM_000557.2); short protein forms L53fs.
Identifiers: ClinVar variation 666166 (VCV000666166.8), dbSNP rs778834209, ClinGen allele CA645605671.

ClinVar aggregate classification (germline): Pathogenic. Review status: criteria provided, multiple submitters, no conflicts (2 of 4 stars). 3 submissions from 3 submitters: Pathogenic (3). Last evaluated 2026-04-20.

Conditions:
Type A2 brachydactyly (BDA2). Also called: BRACHYMESOPHALANGY II; MOHR-WRIEDT TYPE BRACHYDACTYLY; Brachymesophalangy type 2. Identifiers: Orphanet 93396, MedGen C1832702, MONDO:0007216, OMIM 112600, HP:0009372.
Brachydactyly type C (BDC). Identifiers: Orphanet 93384, MedGen C1862103, MONDO:0007221, OMIM 113100, HP:0009373.
Brachydactyly type A1C. Also called: Brachydactyly, type a1, c. Identifiers: Orphanet 93388, MedGen C3554446, MONDO:0014032, OMIM 615072.

Submissions (3):

Institute of Immunology and Genetics Kaiserslautern
Classification: Pathogenic for Brachydactyly type A1C; Type A2 brachydactyly; Brachydactyly type C. Last evaluated: 2026-04-20. Review status: criteria provided, single submitter. Criteria: ACMG Guidelines, 2015. Collection method: clinical testing. Allele origin: germline. Affected: yes.
Comment: ACMG Criteria: PVS1, PS4_P, PM2, PP4; Variant was found in heterozygous state.

GeneDx
Classification: Pathogenic. Last evaluated: 2025-02-18. Review status: criteria provided, single submitter. Criteria: GeneDx Variant Classification Process June 2021. Collection method: clinical testing. Allele origin: germline. Affected: yes.
Comment: Frameshift variant predicted to result in protein truncation or nonsense mediated decay in a gene for which loss of function is a known mechanism of disease; Not observed at significant frequency in large population cohorts (gnomAD); Has not been previously published as pathogenic or benign to our knowledge

Labcorp Genetics (formerly Invitae), Labcorp
Classification: Pathogenic. Last evaluated: 2024-12-11. Review status: criteria provided, single submitter. Criteria: Invitae Variant Classification Sherloc (09022015). Collection method: clinical testing. Allele origin: germline.
Comment: This sequence change creates a premature translational stop signal (p.Leu53Trpfs*34) in the GDF5 gene. It is expected to result in an absent or disrupted protein product. Loss-of-function variants in GDF5 are known to be pathogenic (PMID: 8589725, 9288091, 12121354, 12357473, 27577507). This variant is not present in population databases (gnomAD no frequency). This variant has not been reported in the literature in individuals affected with GDF5-related conditions. ClinVar contains an entry for this variant (Variation ID: 666166). For these reasons, this variant has been classified as Pathogenic.

Literature cited by the submitters: PubMed 8589725 (cited by Labcorp Genetics (formerly Invitae), Labcorp); PubMed 9288091 (cited by Labcorp Genetics (formerly Invitae), Labcorp); PubMed 12121354 (cited by Labcorp Genetics (formerly Invitae), Labcorp); PubMed 12357473 (cited by Labcorp Genetics (formerly Invitae), Labcorp); PubMed 27577507 (cited by Labcorp Genetics (formerly Invitae), Labcorp).